The following is an entry in ClinVar:

NM_153766.3(KCNJ1):c.600C>A (p.Ser200Arg)

Gene: KCNJ1 (potassium inwardly rectifying channel subfamily J member 1; minus strand). Cytogenetic location: 11q24.3.
Variant type: single nucleotide variant.
Coding change: c.600C>A on transcript NM_153766.3 (MANE Select); coding-DNA position 600, C replaced by A.
Protein change: p.Ser200Arg; replaces serine 200 with arginine.
Molecular consequence: missense variant.
Genome position (GRCh38, 1-based): chr11:128,839,644, G>T on the plus strand (C>A on the coding strand, the complement: KCNJ1 is on the minus strand). VCF-style: chr11-128839644-G-T. GRCh37 (hg19) VCF-style: chr11-128709539-G-T.
Other names: c.657C>A, p.Ser219Arg (NM_000220.6); c.600C>A, p.Ser200Arg (NM_153764.3, NM_153767.4); c.651C>A, p.Ser217Arg (NM_153765.3); short protein forms S219R, S217R, S200R.
Identifiers: ClinVar variation 1995667 (VCV001995667.4), dbSNP rs104894245, ClinGen allele CA383244677.
Genomic context (GRCh38, chr11:128,839,644, plus strand): 5'-TCCTTCAGGAGTGACTGTGGTCTTCAGAAGCTTTCCATAAATGTGACTGCCAATAAGAAG[G>T]CTCTTCCTGAGATTAGCCACTCGGATTAGGAGGCAAAGCTTCCCTCCCCGTTTGCTGATC-3'
Protein context (NP_722450.1, residues 190-210): LLIRVANLRK[Ser200Arg]LLIGSHIYGK

ClinVar aggregate classification (germline): Likely pathogenic (1 of 4 stars; one submission).

Submission:

Labcorp Genetics (formerly Invitae), Labcorp
Classification: Likely pathogenic. Last evaluated: 2022-05-17. Review status: criteria provided, single submitter. Criteria: Invitae Variant Classification Sherloc (09022015). Collection method: clinical testing. Allele origin: germline.
Comment: This sequence change replaces serine, which is neutral and polar, with arginine, which is basic and polar, at codon 219 of the KCNJ1 protein (p.Ser219Arg). This variant is not present in population databases (gnomAD no frequency). A different variant (c.657C>G ) giving rise to the same protein effect has been determined to be pathogenic (PMID: 8841184, 24400161, 29942493). This suggests that this variant is also likely to be causative of disease. Algorithms developed to predict the effect of missense changes on protein structure and function are either unavailable or do not agree on the potential impact of this missense change (SIFT: "Deleterious"; PolyPhen-2: "Probably Damaging"; Align-GVGD: "Class C0"). In summary, the currently available evidence indicates that the variant is pathogenic, but additional data are needed to prove that conclusively. Therefore, this variant has been classified as Likely Pathogenic.

Literature cited by the submitters: PubMed 8841184; PubMed 24400161; PubMed 29942493.